The following is an entry in ClinVar:

ClinVar aggregate classification (germline): Uncertain significance. Review status: criteria provided, multiple submitters, no conflicts (2 of 4 stars). 2 submissions from 2 submitters: Uncertain significance (2). Last evaluated 2021-08-20.

Allele frequency attached by ClinVar (database versions not stated): gnomAD exomes below 0.00001.
gnomAD v4.1: 4 of 1,207,704 alleles (0.00033%); highest among the groups gnomAD compares: Non-Finnish European, 0.00045%; no homozygotes.

Submissions (2):

Blueprint Genetics
Classification: Uncertain significance. Last evaluated: 2021-08-20. Review status: criteria provided, single submitter. Criteria: ACMG Guidelines, 2015. Collection method: clinical testing. Allele origin: germline.

GeneDx
Classification: Uncertain significance. Last evaluated: 2021-08-06. Review status: criteria provided, single submitter. Criteria: GeneDx Variant Classification Process June 2021. Collection method: clinical testing. Allele origin: germline. Affected: yes.
Comment: Not observed in large population cohorts (gnomAD); In silico analysis supports that this missense variant does not alter protein structure/function; Observed in at least one hemizygous clinically unaffected adult relative of an individual referred for genetic testing at GeneDx; Has not been previously published as pathogenic or benign to our knowledge

NM_000533.5(PLP1):c.610G>A (p.Ala204Thr)

Genes: PLP1 (proteolipid protein 1; plus strand), RAB9B (RAB9B, member RAS oncogene family; minus strand). Cytogenetic location: Xq22.2.
Variant type: single nucleotide variant.
Coding change: c.610G>A on transcript NM_000533.5 (MANE Select); coding-DNA position 610, G replaced by A.
Protein change: p.Ala204Thr; replaces alanine 204 with threonine.
Molecular consequence: missense variant.
Genome position (GRCh38, 1-based): chrX:103,787,954, G>A. VCF-style: chrX-103787954-G-A. GRCh37 (hg19) VCF-style: chrX-103042883-G-A.
Other names: c.610G>A, p.Ala204Thr (NM_001128834.3); c.445G>A, p.Ala149Thr (NM_001305004.1); c.505G>A, p.Ala169Thr (NM_199478.3); short protein forms A149T, A169T, A204T.
Identifiers: ClinVar variation 1342074 (VCV001342074.3), dbSNP rs372434302, ClinGen allele CA414104106.